The following is an entry in ClinVar:

ClinVar aggregate classification (germline): Uncertain significance. Review status: criteria provided, multiple submitters, no conflicts (2 of 4 stars). 2 submissions from 2 submitters: Uncertain significance (2). Last evaluated 2022-08-31.

Conditions:
Inborn genetic diseases. Identifiers: MedGen C0950123, MeSH D030342.
Growth hormone insensitivity with immune dysregulation 1, autosomal recessive. Also called: Laron syndrome with immunodeficiency; GROWTH HORMONE INSENSITIVITY SYNDROME WITH IMMUNE DYSREGULATION 1, AUTOSOMAL RECESSIVE; GROWTH HORMONE INSENSITIVITY DUE TO POSTRECEPTOR DEFECT; LARON SYNDROME DUE TO POSTRECEPTOR DEFECT. Identifiers: Orphanet 220465, MedGen C5435698, MONDO:0100211, OMIM 245590.

Allele frequency attached by ClinVar (database versions not stated): gnomAD 0.00001; gnomAD exomes 0.00001 and 0.00002; TOPMed 0.00001; ExAC 0.00003.
gnomAD v4.1: 23 of 1,613,808 alleles (0.0014%); highest among the groups gnomAD compares: East Asian, 0.0022%; no homozygotes.

Submissions (2):

Ambry Genetics
Classification: Uncertain significance for Inborn genetic diseases. Last evaluated: 2022-08-31. Review status: criteria provided, single submitter. Criteria: Ambry Variant Classification Scheme 2023. Collection method: clinical testing. Allele origin: germline.

Labcorp Genetics (formerly Invitae), Labcorp
Classification: Uncertain significance for Growth hormone insensitivity with immune dysregulation 1, autosomal recessive. Last evaluated: 2020-03-31. Review status: criteria provided, single submitter. Criteria: Invitae Variant Classification Sherloc (09022015). Collection method: clinical testing. Allele origin: germline.
Comment: Algorithms developed to predict the effect of missense changes on protein structure and function are either unavailable or do not agree on the potential impact of this missense change (SIFT: "Tolerated"; PolyPhen-2: "Probably Damaging"; Align-GVGD: "Class C0"). In summary, the available evidence is currently insufficient to determine the role of this variant in disease. Therefore, it has been classified as a Variant of Uncertain Significance. This sequence change replaces arginine with glutamine at codon 200 of the STAT5B protein (p.Arg200Gln). The arginine residue is highly conserved and there is a small physicochemical difference between arginine and glutamine. This variant is present in population databases (rs779220548, ExAC 0.006%). This variant has not been reported in the literature in individuals with STAT5B-related conditions.

NM_012448.4(STAT5B):c.599G>A (p.Arg200Gln)

Gene: STAT5B (signal transducer and activator of transcription 5B; minus strand). Cytogenetic location: 17q21.2.
Variant type: single nucleotide variant.
Coding change: c.599G>A on transcript NM_012448.4 (MANE Select); coding-DNA position 599, G replaced by A.
Protein change: p.Arg200Gln; replaces arginine 200 with glutamine.
Molecular consequence: missense variant.
Genome position (GRCh38, 1-based): chr17:42,219,794, C>T on the plus strand (G>A on the coding strand, the complement: STAT5B is on the minus strand). VCF-style: chr17-42219794-C-T. GRCh37 (hg19) VCF-style: chr17-40371812-C-T.
Other names: c.599G>A (NM_012448.3); short protein forms R200Q.
Identifiers: ClinVar variation 1063484 (VCV001063484.10), dbSNP rs779220548, ClinGen allele CA8574230.